The following is an entry in ClinVar:

ClinVar aggregate classification (germline): Uncertain significance (1 of 4 stars; one submission).

Conditions:
Hereditary cancer-predisposing syndrome. Also called: Neoplastic Syndromes, Hereditary; Tumor predisposition; Hereditary neoplastic syndrome; Hereditary Cancer Syndrome. Identifiers: Orphanet 140162, MedGen C0027672, MeSH D009386, MONDO:0015356.

Allele frequency attached by ClinVar (database versions not stated): gnomAD 0.00001; 1000 Genomes Project 30x 0.00016.
gnomAD v4.1: 1 of 152,566 alleles (0.00066%); highest among the groups gnomAD compares: East Asian, 0.019%; no homozygotes.

Submission:

Ambry Genetics
Classification: Uncertain significance for Hereditary cancer-predisposing syndrome. Last evaluated: 2022-03-17. Review status: criteria provided, single submitter. Criteria: Ambry Variant Classification Scheme 2023. Collection method: clinical testing. Allele origin: germline.
Comment: The c.145+698T>G intronic alteration consists of a T to G substitution 98 nucleotides after coding exon 1 in the RAD51C gene. Based on insufficient or conflicting evidence, the clinical significance of this alteration remains unclear.

NM_058216.3(RAD51C):c.145+698T>G

Gene: RAD51C (RAD51 paralog C; plus strand). Cytogenetic location: 17q22.
Variant type: single nucleotide variant.
Coding change: c.145+698T>G on transcript NM_058216.3 (MANE Select); 698 bases into the intron after coding-DNA position 145, T replaced by G.
Molecular consequence: intron variant.
Genome position (GRCh38, 1-based): chr17:58,693,486, T>G. VCF-style: chr17-58693486-T-G. GRCh37 (hg19) VCF-style: chr17-56770847-T-G.
Other names: c.145+698T>G (NM_002876.4).
Identifiers: ClinVar variation 3151067 (VCV003151067.1), dbSNP rs2143697188, ClinGen allele CA2596120559.